The following is an entry in ClinVar:

NM_000642.3(AGL):c.2681C>T (p.Ser894Phe)

Gene: AGL (amylo-alpha-1,6-glucosidase and 4-alpha-glucanotransferase; plus strand). Cytogenetic location: 1p21.2.
Variant type: single nucleotide variant.
Coding change: c.2681C>T on transcript NM_000642.3 (MANE Select); coding-DNA position 2681, C replaced by T.
Protein change: p.Ser894Phe; replaces serine 894 with phenylalanine.
Molecular consequence: missense variant.
Genome position (GRCh38, 1-based): chr1:99,884,703, C>T. VCF-style: chr1-99884703-C-T. GRCh37 (hg19) VCF-style: chr1-100350259-C-T.
Other names: c.2480C>T, p.Ser827Phe (NM_001425327.1); c.2477C>T, p.Ser826Phe (NM_001425328.1); c.2303C>T, p.Ser768Phe (NM_001425332.1); c.2681C>T, p.Ser894Phe (NM_000028.3, NM_000643.3, NM_000644.3 and 2 more transcripts); c.2633C>T, p.Ser878Phe (NM_000646.3); short protein forms S894F, S878F, S768F, S826F, S827F.
Identifiers: ClinVar variation 1358633 (VCV001358633.5), dbSNP rs866082714, ClinGen allele CA27519695.

ClinVar aggregate classification (germline): Uncertain significance (1 of 4 stars; one submission).

Conditions:
Glycogen storage disease type III (GSD3). Also called: FORBES DISEASE; Cori disease. Identifiers: Orphanet 366, MedGen C0017922, MONDO:0009291, OMIM 232400.

Allele frequency attached by ClinVar (database versions not stated): gnomAD exomes below 0.00001 and 0.00002; gnomAD 0.00001.
gnomAD v4.1: 33 of 1,613,620 alleles (0.002%); highest among the groups gnomAD compares: South Asian, 0.0077%; no homozygotes.

Submission:

Labcorp Genetics (formerly Invitae), Labcorp
Classification: Uncertain significance for Glycogen storage disease type III. Last evaluated: 2022-08-16. Review status: criteria provided, single submitter. Criteria: Invitae Variant Classification Sherloc (09022015). Collection method: clinical testing. Allele origin: germline.
Comment: This sequence change replaces serine, which is neutral and polar, with phenylalanine, which is neutral and non-polar, at codon 894 of the AGL protein (p.Ser894Phe). This variant is present in population databases (no rsID available, gnomAD 0.0009%). This variant has not been reported in the literature in individuals affected with AGL-related conditions. ClinVar contains an entry for this variant (Variation ID: 1358633). Algorithms developed to predict the effect of missense changes on protein structure and function output the following: SIFT: "Tolerated"; PolyPhen-2: "Benign"; Align-GVGD: "Class C0". The phenylalanine amino acid residue is found in multiple mammalian species, which suggests that this missense change does not adversely affect protein function. Algorithms developed to predict the effect of sequence changes on RNA splicing suggest that this variant may disrupt the consensus splice site. In summary, the available evidence is currently insufficient to determine the role of this variant in disease. Therefore, it has been classified as a Variant of Uncertain Significance.